The following is an entry in ClinVar:

ClinVar aggregate classification (germline): Pathogenic. Review status: reviewed by expert panel (3 of 4 stars). 13 submissions from 13 submitters: Pathogenic (1). 12 of the submissions do not count toward it. Last evaluated 2016-09-08.

Conditions:
BRCA2-related cancer predisposition. Identifiers: MedGen CN377758, MONDO:0700269.
Hereditary cancer-predisposing syndrome. Also called: Hereditary Cancer Syndrome; Neoplastic Syndromes, Hereditary; Hereditary neoplastic syndrome; Tumor predisposition. Identifiers: Orphanet 140162, MedGen C0027672, MeSH D009386, MONDO:0015356.
Hereditary breast ovarian cancer syndrome. Also called: Breast and ovarian cancer; Hereditary breast and ovarian cancer syndrome; Hereditary breast and ovarian cancer syndrome (HBOC); BRCA1- and BRCA2-Associated Hereditary Breast and Ovarian Cancer; Hereditary breast and ovarian cancer; Hereditary breast and/or ovarian cancer syndrome. Identifiers: Orphanet 145, MedGen C0677776, MeSH D061325, MONDO:0003582. Disease mechanism: loss of function.
Breast-ovarian cancer, familial, susceptibility to, 2 (BROVCA2). Also called: BRCA2 Hereditary Breast and Ovarian Cancer. Identifiers: Orphanet 145, MedGen C2675520, MONDO:0012933, OMIM 612555. Disease mechanism: loss of function.
Familial cancer of breast. Also called: hereditary breast carcinoma; Hereditary breast cancer; BREAST CANCER, FAMILIAL. Identifiers: Orphanet 227535, MedGen C0346153, MONDO:0016419, OMIM 114480. Disease mechanism: loss of function.

Submissions (13):

Evidence-based Network for the Interpretation of Germline Mutant Alleles (ENIGMA)
Classification: Pathogenic for Breast-ovarian cancer, familial, susceptibility to, 2. Last evaluated: 2016-09-08. Review status: reviewed by expert panel. Criteria: ENIGMA BRCA1/2 Classification Criteria (2015). Collection method: curation. Allele origin: germline.
Comment: Variant allele predicted to encode a truncated non-functional protein.

Hema, HEMA – Genetic and Molecular Diagnostic Laboratory
Classification: Pathogenic for BRCA2-related cancer predisposition. Last evaluated: 2025-02-17. Review status: criteria provided, single submitter. Criteria: HEMA Variant Classification Assertion Criteria. Collection method: clinical testing. Allele origin: germline. Not counted in ClinVar's aggregate classification.
Comment: It is a transition from cytosine to thymine that results in a premature stop codon at codon 2859 of BRCA2. PVS1: Null variant (nonsense) in a gene for which loss of function is a known disease mechanism. It is a nonsense variant that results in a premature stop codon in exon 20/27, which is predicted to lead to nonsense-mediated decay (NMD) of the transcript. PM2_Supporting: Absent in the gnomAD database. PM5_Strong (PTC): Variant that introduces a stop codon in exon 20 of BRCA2.

Ambry Genetics
Classification: Pathogenic for Hereditary cancer-predisposing syndrome. Last evaluated: 2024-12-02. Review status: criteria provided, single submitter. Criteria: Ambry Variant Classification Scheme 2023. Collection method: clinical testing. Allele origin: germline. Not counted in ClinVar's aggregate classification.
Comment: The p.Q2859* pathogenic mutation (also known as c.8575C>T), located in coding exon 19 of the BRCA2 gene, results from a C to T substitution at nucleotide position 8575. This changes the amino acid from a glutamine to a stop codon within coding exon 19. This variant was detected in a patient with renal cancer with a family history of renal, breast, pancreatic and other cancers (Hartman TR et al. Sci Rep, 2020 08;10:13518). This variant is considered to be rare based on population cohorts in the Genome Aggregation Database (gnomAD). In addition to the clinical data presented in the literature, this alteration is expected to result in loss of function by premature protein truncation or nonsense-mediated mRNA decay. As such, this alteration is interpreted as a disease-causing mutation.

Labcorp Genetics (formerly Invitae), Labcorp
Classification: Pathogenic for Hereditary breast ovarian cancer syndrome. Last evaluated: 2024-07-30. Review status: criteria provided, single submitter. Criteria: Invitae Variant Classification Sherloc (09022015). Collection method: clinical testing. Allele origin: germline. Not counted in ClinVar's aggregate classification.
Comment: This sequence change creates a premature translational stop signal (p.Gln2859*) in the BRCA2 gene. It is expected to result in an absent or disrupted protein product. Loss-of-function variants in BRCA2 are known to be pathogenic (PMID: 20104584). This variant is not present in population databases (gnomAD no frequency). This premature translational stop signal has been observed in individual(s) with male breast cancer and a personal and/or family history of breast and/or ovarian cancer (PMID: 18779604, 20927582). ClinVar contains an entry for this variant (Variation ID: 52626). For these reasons, this variant has been classified as Pathogenic.

GeneDx
Classification: Pathogenic. Last evaluated: 2024-02-26. Review status: criteria provided, single submitter. Criteria: GeneDx Variant Classification Process June 2021. Collection method: clinical testing. Allele origin: germline. Affected: yes. Not counted in ClinVar's aggregate classification.
Comment: Nonsense variant predicted to result in protein truncation or nonsense mediated decay in a gene for which loss of function is a known mechanism of disease; Observed in individuals with a personal or family history consistent with pathogenic variants in this gene (PMID: 18779604, 18284688, 20927582); Not observed at significant frequency in large population cohorts (gnomAD); Truncating variants in this gene are considered pathogenic by a well-established clinical consortium and/or database; This variant is associated with the following publications: (PMID: 18284688, 32782288, 20927582, 25525159, 18779604, 31723001, 34808016, 29446198, 30787465)

Baylor Genetics
Classification: Pathogenic for Familial cancer of breast. Last evaluated: 2021-11-29. Review status: criteria provided, single submitter. Criteria: ACMG Guidelines, 2015. Collection method: clinical testing. Allele origin: unknown. Not counted in ClinVar's aggregate classification.

Color Diagnostics, LLC DBA Color Health
Classification: Pathogenic for Hereditary cancer-predisposing syndrome. Last evaluated: 2020-01-15. Review status: criteria provided, single submitter. Criteria: ACMG Guidelines, 2015. Collection method: clinical testing. Allele origin: germline. Not counted in ClinVar's aggregate classification.
Comment: This variant changes 1 nucleotide in exon 20 of the BRCA2 gene, creating a premature translation stop signal. This variant is expected to result in an absent or non-functional protein product. This variant has not been identified in the general population by the Genome Aggregation Database (gnomAD). Loss of BRCA2 function is a known mechanism of disease. Based on the available evidence, this variant is classified as Pathogenic.

Consortium of Investigators of Modifiers of BRCA1/2 (CIMBA), c/o University of Cambridge
Classification: Pathogenic for Breast-ovarian cancer, familial, susceptibility to, 2. Last evaluated: 2015-10-02. Review status: criteria provided, single submitter. Criteria: CIMBA Mutation Classification guidelines May 2016. Collection method: clinical testing. Allele origin: germline. Not counted in ClinVar's aggregate classification.

Quest Diagnostics Nichols Institute San Juan Capistrano
Classification: Pathogenic for Breast-ovarian cancer, familial, susceptibility to, 2. Last evaluated: 2015-06-03. Review status: criteria provided, single submitter. Criteria: Quest Diagnostics criteria. Collection method: clinical testing. Allele origin: germline. Inheritance: Autosomal dominant inheritance. Not counted in ClinVar's aggregate classification.

Molecular Oncology, Hospital Universitario Central de Asturias (HUCA)
Classification: Pathogenic for Breast-ovarian cancer, familial, susceptibility to, 2. Last evaluated: 2021-05-24. Review status: no assertion criteria provided. Collection method: case-control. Allele origin: germline. Affected: yes. Not counted in ClinVar's aggregate classification.

Research Molecular Genetics Laboratory, Women's College Hospital, University of Toronto
Classification: Pathogenic for Hereditary breast ovarian cancer syndrome. Last evaluated: 2014-01-31. Review status: no assertion criteria provided. Collection method: research. Allele origin: germline. Affected: yes. Study: The Canadian Open Genetics Repository (COGR). Not counted in ClinVar's aggregate classification.

Sharing Clinical Reports Project (SCRP)
Classification: Pathogenic for Breast-ovarian cancer, familial 2. Last evaluated: 2012-12-26. Review status: no assertion criteria provided. Collection method: clinical testing. Allele origin: germline. Not counted in ClinVar's aggregate classification.

Breast Cancer Information Core (BIC) (BRCA2)
Classification: Pathogenic for Breast-ovarian cancer, familial 2. Last evaluated: 2002-05-29. Review status: no assertion criteria provided. Collection method: clinical testing. Allele origin: germline. Affected: yes. Observed: 2 variant alleles. Not counted in ClinVar's aggregate classification.

Literature cited by the submitters: PubMed 18284688 (cited by Ambry Genetics); PubMed 20927582 (cited by 3 submitters); PubMed 28008555 (cited by Ambry Genetics); PubMed 29446198 (cited by Ambry Genetics); PubMed 32782288 (cited by Ambry Genetics); PubMed 20104584 (cited by Labcorp Genetics (formerly Invitae), Labcorp); PubMed 18779604 (cited by Labcorp Genetics (formerly Invitae), Labcorp and Quest Diagnostics Nichols Institute San Juan Capistrano); PubMed 26295337 (cited by Quest Diagnostics Nichols Institute San Juan Capistrano); PubMed 38922859 (cited by Molecular Oncology, Hospital Universitario Central de Asturias (HUCA)).

NM_000059.4(BRCA2):c.8575C>T (p.Gln2859Ter)

Gene: BRCA2 (BRCA2 DNA repair associated; plus strand). Cytogenetic location: 13q13.1.
Variant type: single nucleotide variant.
Coding change: c.8575C>T on transcript NM_000059.4 (MANE Select); coding-DNA position 8575, C replaced by T.
Protein change: p.Gln2859Ter; replaces glutamine 2859 with a stop codon.
Molecular consequence: nonsense.
Genome position (GRCh38, 1-based): chr13:32,371,043, C>T. VCF-style: chr13-32371043-C-T. GRCh37 (hg19) VCF-style: chr13-32945180-C-T.
Other names: 8803C>T; short protein forms Q2859*.
Identifiers: ClinVar variation 52626 (VCV000052626.28), dbSNP rs80359115, ClinGen allele CA025718.